The following is an entry in ClinVar:

NM_000238.4(KCNH2):c.569C>T (p.Ala190Val)

Gene: KCNH2 (potassium voltage-gated channel subfamily H member 2; minus strand). Cytogenetic location: 7q36.1.
Variant type: single nucleotide variant.
Coding change: c.569C>T on transcript NM_000238.4 (MANE Select); coding-DNA position 569, C replaced by T.
Protein change: p.Ala190Val; replaces alanine 190 with valine.
Molecular consequence: missense variant. On other transcripts: non-coding transcript variant (1).
Genome position (GRCh38, 1-based): chr7:150,958,406, G>A on the plus strand (C>T on the coding strand, the complement: KCNH2 is on the minus strand). VCF-style: chr7-150958406-G-A. GRCh37 (hg19) VCF-style: chr7-150655494-G-A.
Other names: c.281C>T, p.Ala94Val (NM_001406753.1, NM_001406756.1); c.392C>T, p.Ala131Val (NM_001406755.1); c.269C>T, p.Ala90Val (NM_001406757.1); c.569C>T, p.Ala190Val (NM_172056.3); short protein forms A190V, A90V, A94V, A131V.
Identifiers: ClinVar variation 2779033 (VCV002779033.4), dbSNP rs903749476, ClinGen allele CA169081443.
Genomic context (GRCh38, chr7:150,958,406, plus strand): 5'-AGCGACTCGCTGCTGGGTGCCGCGGGCGTCAGGTCCACGTCCACCACCACGGCCCCCGGG[G>A]CGCCCGCGCCGCCCGCGCCGCCCGACCGCACCGACGACTCCCGGGCCGTCAGCGCCAGCA-3'
Protein context (NP_000229.1, residues 180-200): VRSGGAGGAG[Ala190Val]PGAVVVDVDL

ClinVar aggregate classification (germline): Conflicting classifications of pathogenicity. Review status: criteria provided, conflicting classifications (1 of 4 stars). 3 submissions from 3 submitters: Uncertain significance (2); Likely benign (1). Last evaluated 2026-03-17.

Conditions:
Cardiovascular phenotype. Identifiers: MedGen CN230736.
Long QT syndrome (LQTS). Identifiers: MedGen C0023976, MeSH D008133, MONDO:0002442. Disease mechanism: loss of function. Inheritance: Various modes of inheritance.

Allele frequency attached by ClinVar (database versions not stated): gnomAD 0.00001; TOPMed 0.00001; gnomAD exomes 0.00002.
gnomAD v4.1: 23 of 1,447,468 alleles (0.0016%); highest among the groups gnomAD compares: East Asian, 0.003%; no homozygotes.

Submissions (3):

Ambry Genetics
Classification: Uncertain significance for Cardiovascular phenotype. Last evaluated: 2026-03-17. Review status: criteria provided, single submitter. Criteria: Ambry Variant Classification Scheme 2023. Collection method: clinical testing. Allele origin: germline.

Labcorp Genetics (formerly Invitae), Labcorp
Classification: Uncertain significance for Long QT syndrome. Last evaluated: 2025-06-29. Review status: criteria provided, single submitter. Criteria: Invitae Variant Classification Sherloc (09022015). Collection method: clinical testing. Allele origin: germline.
Comment: This sequence change replaces alanine, which is neutral and non-polar, with valine, which is neutral and non-polar, at codon 190 of the KCNH2 protein (p.Ala190Val). This variant is present in population databases (no rsID available, gnomAD 0.008%). This variant has not been reported in the literature in individuals affected with KCNH2-related conditions. ClinVar contains an entry for this variant (Variation ID: 2779033). An algorithm developed to predict the effect of missense changes on protein structure and function (PolyPhen-2) suggests that this variant is likely to be tolerated. In summary, the available evidence is currently insufficient to determine the role of this variant in disease. Therefore, it has been classified as a Variant of Uncertain Significance.

Blueprint Genetics
Classification: Likely benign. Last evaluated: 2023-04-27. Review status: criteria provided, single submitter. Criteria: ACMG Guidelines, 2015. Collection method: clinical testing. Allele origin: germline.